The following is an entry in ClinVar:

ClinVar aggregate classification (germline): Uncertain significance (1 of 4 stars; one submission).

Conditions:
Immunodeficiency 27A (IMD27A). Also called: IMMUNODEFICIENCY 27A, MYCOBACTERIOSIS, AUTOSOMAL RECESSIVE; IFNGR1 DEFICIENCY, AUTOSOMAL RECESSIVE. Identifiers: Orphanet 319569, Orphanet 99898, MedGen C4011949, MONDO:0008856, OMIM 209950.

Submission:

Labcorp Genetics (formerly Invitae), Labcorp
Classification: Uncertain significance for Disseminated atypical mycobacterial infection. Last evaluated: 2018-10-31. Review status: criteria provided, single submitter. Criteria: Invitae Variant Classification Sherloc (09022015). Collection method: clinical testing. Allele origin: germline.
Comment: This sequence change replaces tryptophan with cysteine at codon 99 of the IFNGR1 protein (p.Trp99Cys). The tryptophan residue is highly conserved and there is a large physicochemical difference between tryptophan and cysteine. This variant is not present in population databases (ExAC no frequency). Algorithms developed to predict the effect of missense changes on protein structure and function (SIFT, PolyPhen-2, Align-GVGD) all suggest that this variant is likely to be disruptive, but these predictions have not been confirmed by published functional studies and their clinical significance is uncertain. In summary, the available evidence is currently insufficient to determine the role of this variant in disease. Therefore, it has been classified as a Variant of Uncertain Significance.

NM_000416.3(IFNGR1):c.297G>T (p.Trp99Cys)

Gene: IFNGR1 (interferon gamma receptor 1; minus strand). Cytogenetic location: 6q23.3.
Variant type: single nucleotide variant.
Coding change: c.297G>T on transcript NM_000416.3 (MANE Select); coding-DNA position 297, G replaced by T.
Protein change: p.Trp99Cys; replaces tryptophan 99 with cysteine.
Molecular consequence: missense variant.
Genome position (GRCh38, 1-based): chr6:137,206,212, C>A on the plus strand (G>T on the coding strand, the complement: IFNGR1 is on the minus strand). VCF-style: chr6-137206212-C-A. GRCh37 (hg19) VCF-style: chr6-137527349-C-A.
Other names: c.267G>T, p.Trp89Cys (NM_001363526.1); c.174G>T, p.Trp58Cys (NM_001363527.1); short protein forms W89C, W58C, W99C.
Identifiers: ClinVar variation 641874 (VCV000641874.1), dbSNP rs1582637035, ClinGen allele CA365775753.